The following is an entry in ClinVar:

NM_052947.4(ALPK2):c.4127A>G (p.Gln1376Arg)

Genes: ALPK2 (alpha kinase 2; minus strand), LOC126862764 (BRD4-independent group 4 enhancer GRCh37_chr18:56202574-56203773; plus strand). Cytogenetic location: 18q21.31.
Variant type: single nucleotide variant.
Coding change: c.4127A>G on transcript NM_052947.4 (MANE Select); coding-DNA position 4127, A replaced by G.
Protein change: p.Gln1376Arg; replaces glutamine 1376 with arginine.
Molecular consequence: missense variant.
Genome position (GRCh38, 1-based): chr18:58,536,060, T>C on the plus strand (A>G on the coding strand, the complement: ALPK2 is on the minus strand). VCF-style: chr18-58536060-T-C. GRCh37 (hg19) VCF-style: chr18-56203292-T-C.
Other names: short protein forms Q1376R.
Identifiers: ClinVar variation 1738048 (VCV001738048.2), dbSNP rs2518875395, ClinGen allele CA402564165.

ClinVar aggregate classification (germline): Uncertain significance (1 of 4 stars; one submission).

Submission:

Ambry Genetics
Classification: Uncertain significance. Last evaluated: 2021-10-29. Review status: criteria provided, single submitter. Criteria: Ambry Variant Classification Scheme 2023. Collection method: clinical testing. Allele origin: germline.
Comment: The p.Q1376R variant (also known as c.4127A>G), located in coding exon 4 of the ALPK2 gene, results from an A to G substitution at nucleotide position 4127. The glutamine at codon 1376 is replaced by arginine, an amino acid with highly similar properties. This amino acid position is conserved. In addition, this alteration is predicted to be tolerated by in silico analysis. Since supporting evidence is limited at this time, the clinical significance of this alteration remains unclear.